The following is an entry in ClinVar:

ClinVar aggregate classification (germline): Likely benign. Review status: criteria provided, multiple submitters, no conflicts (2 of 4 stars). 2 submissions from 2 submitters: Likely benign (2). Last evaluated 2023-08-24.

Conditions:
Emery-Dreifuss muscular dystrophy 4, autosomal dominant (EDMD4). Also called: EMERY-DREIFUSS MUSCULAR DYSTROPHY 4 WITH VARIABLE FEATURES. Identifiers: Orphanet 261, MedGen C2751807, MONDO:0013071, OMIM 612998.
Autosomal recessive ataxia, Beauce type. Also called: SYNE1 Deficiency; Spinocerebellar ataxia, autosomal recessive 8; ATAXIA, RECESSIVE, OF BEAUCE; SYNE1-Related Autosomal Recessive Cerebellar Ataxia. Identifiers: Orphanet 88644, MedGen C1853116, MONDO:0012549, OMIM 610743.

Allele frequency attached by ClinVar (database versions not stated): TOPMed 0.00001.
gnomAD v4.1: 18 of 1,614,042 alleles (0.0011%); highest among the groups gnomAD compares: Non-Finnish European, 0.0015%; no homozygotes.

Submissions (2):

Labcorp Genetics (formerly Invitae), Labcorp
Classification: Likely benign for Emery-Dreifuss muscular dystrophy 4, autosomal dominant; Autosomal recessive ataxia, Beauce type. Last evaluated: 2023-08-24. Review status: criteria provided, single submitter. Criteria: Invitae Variant Classification Sherloc (09022015). Collection method: clinical testing. Allele origin: germline.

GeneDx
Classification: Likely benign. Last evaluated: 2017-05-25. Review status: criteria provided, single submitter. Criteria: GeneDx Variant Classification (06012015). Collection method: clinical testing. Allele origin: germline. Affected: yes.
Comment: This variant is considered likely benign or benign based on one or more of the following criteria: it is a conservative change, it occurs at a poorly conserved position in the protein, it is predicted to be benign by multiple in silico algorithms, and/or has population frequency not consistent with disease.

NM_182961.4(SYNE1):c.10879C>A (p.Arg3627Ser)

Gene: SYNE1 (spectrin repeat containing nuclear envelope protein 1; minus strand). Cytogenetic location: 6q25.2.
Variant type: single nucleotide variant.
Coding change: c.10879C>A on transcript NM_182961.4 (MANE Select); coding-DNA position 10879, C replaced by A.
Protein change: p.Arg3627Ser; replaces arginine 3627 with serine.
Molecular consequence: missense variant. On other transcripts: intron variant (1).
Genome position (GRCh38, 1-based): chr6:152,354,706, G>T on the plus strand (C>A on the coding strand, the complement: SYNE1 is on the minus strand). VCF-style: chr6-152354706-G-T. GRCh37 (hg19) VCF-style: chr6-152675841-G-T.
Other names: c.10881+19C>A (NM_033071.5); short protein forms R3627S.
Identifiers: ClinVar variation 509715 (VCV000509715.4), dbSNP rs149712464, ClinGen allele CA150201270.